The following is an entry in ClinVar:

ClinVar aggregate classification (germline): Uncertain significance. Review status: criteria provided, multiple submitters, no conflicts (2 of 4 stars). 3 submissions from 3 submitters: Uncertain significance (3). Last evaluated 2026-04-17.

Conditions:
Hypogonadotropic hypogonadism 2 with or without anosmia (HH2). Also called: HYPOGONADOTROPIC HYPOGONADISM 2 WITHOUT ANOSMIA; FGFR1-Related GnRH Deficiency (Kallmann Syndrome 2); HYPOGONADOTROPIC HYPOGONADISM 2 WITH OR WITHOUT ANOSMIA, SUSCEPTIBILITY TO; HYPOGONADOTROPIC HYPOGONADISM 2 WITHOUT ANOSMIA, SUSCEPTIBILITY TO. Identifiers: Orphanet 478, MedGen C1563720, MONDO:0007844, OMIM 147950. Disease mechanism: loss of function.
Pfeiffer syndrome (ACS5). Also called: ACS V. Identifiers: Orphanet 710, MedGen C0220658, MONDO:0007043, OMIM 101600.
Osteoglophonic dysplasia (OGD). Also called: Osteoglophonic dwarfism. Identifiers: Orphanet 2645, MedGen C0432283, MONDO:0008150, OMIM 166250.
Trigonocephaly 1 (TRIGNO1). Identifiers: Orphanet 3366, MedGen C0432122, MONDO:0008603, OMIM 190440.
Encephalocraniocutaneous lipomatosis (ECCL). Identifiers: Orphanet 2396, MedGen C0406612, MONDO:0013074, OMIM 613001.
Jackson-Weiss syndrome (JWS). Also called: CRANIOSYNOSTOSIS, MIDFACIAL HYPOPLASIA, AND FOOT ABNORMALITIES. Identifiers: Orphanet 1540, MedGen C0795998, MONDO:0007400, OMIM 123150. Disease mechanism: loss of function.
Hartsfield-Bixler-Demyer syndrome (HRTFDS). Also called: FGFR1-Related Hartsfield Syndrome; Holoprosencephaly, ectrodactyly, and bilateral cleft lip/palate; Hartsfield syndrome. Identifiers: Orphanet 2117, MedGen C1845146, MONDO:0014196, OMIM 615465. Disease mechanism: loss of function.

Allele frequency attached by ClinVar (database versions not stated): ExAC 0.00001; gnomAD 0.00001; gnomAD exomes 0.00002 and below 0.00001; TOPMed 0.00002; ESP Exome Variant Server 0.00008.
gnomAD v4.1: 24 of 1,614,052 alleles (0.0015%); highest among the groups gnomAD compares: Middle Eastern, 0.016%; no homozygotes.

Submissions (3):

Women's Health and Genetics/Laboratory Corporation of America, LabCorp
Classification: Uncertain significance. Last evaluated: 2026-04-17. Review status: criteria provided, single submitter. Criteria: LabCorp Variant Classification Summary - May 2015. Collection method: clinical testing. Allele origin: germline.
Comment: Variant summary: FGFR1 c.1114C>T (p.Pro372Ser) results in a non-conservative amino acid change in the encoded protein sequence. Algorithms developed to predict the effect of missense changes on protein structure and function are either unavailable or do not agree on the potential impact of this missense change. The variant allele was found at a frequency of 4e-06 in 249506 control chromosomes. The available data on variant occurrences in the general population are insufficient to allow any conclusion about variant significance. To our knowledge, no occurrence of c.1114C>T in individuals affected with FGFR1-related conditions and no experimental evidence demonstrating its impact on protein function have been reported. ClinVar contains an entry for this variant (Variation ID: 1425265). Based on the evidence outlined above, the variant was classified as uncertain significance.

Labcorp Genetics (formerly Invitae), Labcorp
Classification: Uncertain significance for Pfeiffer syndrome; Hypogonadotropic hypogonadism 2 with or without anosmia. Last evaluated: 2022-07-30. Review status: criteria provided, single submitter. Criteria: Invitae Variant Classification Sherloc (09022015). Collection method: clinical testing. Allele origin: germline.
Comment: This variant has not been reported in the literature in individuals affected with FGFR1-related conditions. This variant is present in population databases (rs377648976, gnomAD 0.0009%). This sequence change replaces proline, which is neutral and non-polar, with serine, which is neutral and polar, at codon 372 of the FGFR1 protein (p.Pro372Ser). In summary, the available evidence is currently insufficient to determine the role of this variant in disease. Therefore, it has been classified as a Variant of Uncertain Significance. Algorithms developed to predict the effect of missense changes on protein structure and function (SIFT, PolyPhen-2, Align-GVGD) all suggest that this variant is likely to be tolerated. ClinVar contains an entry for this variant (Variation ID: 1425265).

Fulgent Genetics
Classification: Uncertain significance for Pfeiffer syndrome; Jackson-Weiss syndrome; Hypogonadotropic hypogonadism 2 with or without anosmia; Osteoglophonic dysplasia; Trigonocephaly 1; Encephalocraniocutaneous lipomatosis; Hartsfield-Bixler-Demyer syndrome. Last evaluated: 2021-11-04. Review status: criteria provided, single submitter. Criteria: ACMG Guidelines, 2015. Collection method: clinical testing. Allele origin: unknown.

NM_023110.3(FGFR1):c.1114C>T (p.Pro372Ser)

Gene: FGFR1 (fibroblast growth factor receptor 1; minus strand). Cytogenetic location: 8p11.23.
Variant type: single nucleotide variant.
Coding change: c.1114C>T on transcript NM_023110.3 (MANE Select); coding-DNA position 1114, C replaced by T.
Protein change: p.Pro372Ser; replaces proline 372 with serine.
Molecular consequence: missense variant.
Genome position (GRCh38, 1-based): chr8:38,419,703, G>A on the plus strand (C>T on the coding strand, the complement: FGFR1 is on the minus strand). VCF-style: chr8-38419703-G-A. GRCh37 (hg19) VCF-style: chr8-38277221-G-A.
Other names: c.1207C>T, p.Pro403Ser (NM_001174067.2); c.1108C>T, p.Pro370Ser (NM_001354367.2, NM_001354369.2, NM_015850.4 and 1 more transcripts); c.841C>T, p.Pro281Ser (NM_001354368.2, NM_001354370.2, NM_023106.3); c.847C>T, p.Pro283Ser (NM_023105.3, NM_001174066.2); c.1114C>T, p.Pro372Ser (NM_001174063.2); c.1090C>T, p.Pro364Ser (NM_001174064.2); short protein forms P372S, P281S, P283S, P364S, P370S, P403S.
Identifiers: ClinVar variation 1425265 (VCV001425265.8), dbSNP rs377648976, ClinGen allele CA4718472.
Genomic context (GRCh38, chr8:38,419,703, plus strand): 5'-CCACCATGCAGGAGATGAGGAAGGCCCCTGTGCAATAGATGATGATCTCCAGGTACAGGG[G>A]CGAGGTCATCACTGCCGGCCTCTCTTCCAGGGCTGAGTCAGTGCGAACAGGGTGTTAGCA-3'
Protein context (NP_075598.2, residues 362-382): LEERPAVMTS[Pro372Ser]LYLEIIIYCT